The following is an entry in ClinVar:

NM_201384.3(PLEC):c.7633C>T (p.Arg2545Trp)

Gene: PLEC (plectin; minus strand). Cytogenetic location: 8q24.3.
Variant type: single nucleotide variant.
Coding change: c.7633C>T on transcript NM_201384.3 (MANE Select); coding-DNA position 7633, C replaced by T.
Protein change: p.Arg2545Trp; replaces arginine 2545 with tryptophan.
Molecular consequence: missense variant.
Genome position (GRCh38, 1-based): chr8:143,922,188, G>A on the plus strand (C>T on the coding strand, the complement: PLEC is on the minus strand). VCF-style: chr8-143922188-G-A. GRCh37 (hg19) VCF-style: chr8-144996356-G-A.
Other names: c.7714C>T, p.Arg2572Trp (NM_000445.5); c.7591C>T, p.Arg2531Trp (NM_201378.4); c.7567C>T, p.Arg2523Trp (NM_201379.3); c.8044C>T, p.Arg2682Trp (NM_201380.4); c.7537C>T, p.Arg2513Trp (NM_201381.3); c.7633C>T, p.Arg2545Trp (NM_201382.4); c.7645C>T, p.Arg2549Trp (NM_201383.3); c.7714C>T (NM_000445.4); short protein forms R2513W, R2523W, R2531W, R2545W, R2549W, R2572W, R2682W.
Identifiers: ClinVar variation 451240 (VCV000451240.12), dbSNP rs782164998, ClinGen allele CA4925561.
Genomic context (GRCh38, chr8:143,922,188, plus strand): 5'-CCTCCTCGGCCTCATGCTGCCGCCGCCGCGCCTCCTCCATGCTGGCCACCAGCCGCTGCC[G>A]TTCCTGCTCCATCTGCTGCTGCTGCCGCTGCTGCTCCTCACGCAGCTGCTGTGCCTTGGC-3'
Protein context (NP_958786.1, residues 2535-2555): QRQQQQMEQE[Arg2545Trp]QRLVASMEEA

ClinVar aggregate classification (germline): Uncertain significance. Review status: criteria provided, multiple submitters, no conflicts (2 of 4 stars). 5 submissions from 5 submitters: Uncertain significance (5). Last evaluated 2026-07-01.

Conditions:
PLEC-related disorder. Also called: PLEC-related condition; PLEC-related disorders.
Epidermolysis bullosa simplex 5C, with pyloric atresia (EBS5C). Also called: PLEC-Related Epidermolysis Bullosa with Pyloric Atresia; PLEC1-Related Epidermolysis Bullosa with Pyloric Atresia; Epidermolysis bullosa simplex with pyloric atresia. Identifiers: Orphanet 158684, MedGen C2677349, MONDO:0012807, OMIM 612138.
Autosomal recessive limb-girdle muscular dystrophy type 2Q (LGMDR17). Also called: MUSCULAR DYSTROPHY, LIMB-GIRDLE, AUTOSOMAL RECESSIVE 17. Identifiers: Orphanet 254361, MedGen C3150989, MONDO:0013390, OMIM 613723.
Epidermolysis bullosa simplex with nail dystrophy (EBS5D). Identifiers: MedGen C4225309, MONDO:0014661, OMIM 616487.
Epidermolysis bullosa simplex, Ogna type (EBS5A). Also called: Pidermolysis bullosa simplex 5A, Ogna type; EPIDERMOLYSIS BULLOSA SIMPLEX 5A, OGNA TYPE. Identifiers: Orphanet 79401, MedGen C0432317, MONDO:0007555, OMIM 131950.
Epidermolysis bullosa simplex 5B, with muscular dystrophy (EBS5B). Also called: EPIDERMOLYSIS BULLOSA SIMPLEX AND LIMB-GIRDLE MUSCULAR DYSTROPHY; Epidermolysis bullosa simplex with muscular dystrophy. Identifiers: Orphanet 257, MedGen C2931072, MONDO:0009181, OMIM 226670.

Allele frequency attached by ClinVar (database versions not stated): gnomAD 0.00005 and 0.00006; TOPMed 0.00006; gnomAD exomes 0.00007; ExAC 0.00016.
gnomAD v4.1: 128 of 1,547,600 alleles (0.0083%); highest among the groups gnomAD compares: Non-Finnish European, 0.0095%; no homozygotes.

Submissions (5):

CeGaT Center for Human Genetics Tuebingen
Classification: Uncertain significance. Last evaluated: 2026-07-01. Review status: criteria provided, single submitter. Criteria: CeGaT Center For Human Genetics Tuebingen Variant Classification Criteria Version 2. Collection method: clinical testing. Allele origin: germline. Affected: yes. Observed: 1 variant allele.
Comment: PLEC: PM2:Supporting, BP4

PreventionGenetics, part of Exact Sciences
Classification: Uncertain significance for PLEC-related condition. Last evaluated: 2026-05-14. Review status: criteria provided, single submitter. Criteria: ACMG Guidelines, 2015. Collection method: clinical testing. Allele origin: germline.
Comment: The PLEC c.7714C>T variant is predicted to result in the amino acid substitution p.Arg2572Trp. To our knowledge, this variant has not been reported in the literature. This variant is reported in 0.011% of alleles in individuals of African descent in gnomAD. At this time, the clinical significance of this variant is uncertain due to the absence of conclusive functional and genetic evidence.

Labcorp Genetics (formerly Invitae), Labcorp
Classification: Uncertain significance for Autosomal recessive limb-girdle muscular dystrophy type 2Q; Epidermolysis bullosa simplex, Ogna type; Epidermolysis bullosa simplex with nail dystrophy; Epidermolysis bullosa simplex 5C, with pyloric atresia; Epidermolysis bullosa simplex 5B, with muscular dystrophy. Last evaluated: 2025-08-01. Review status: criteria provided, single submitter. Criteria: Invitae Variant Classification Sherloc (09022015). Collection method: clinical testing. Allele origin: germline.
Comment: This sequence change replaces arginine, which is basic and polar, with tryptophan, which is neutral and slightly polar, at codon 2572 of the PLEC protein (p.Arg2572Trp). This variant is present in population databases (rs782164998, gnomAD 0.01%). This variant has not been reported in the literature in individuals affected with PLEC-related conditions. ClinVar contains an entry for this variant (Variation ID: 451240). Invitae Evidence Modeling of protein sequence and biophysical properties (such as structural, functional, and spatial information, amino acid conservation, physicochemical variation, residue mobility, and thermodynamic stability) has been performed for this missense variant. However, the output from this modeling did not meet the statistical confidence thresholds required to predict the impact of this variant on PLEC protein function. In summary, the available evidence is currently insufficient to determine the role of this variant in disease. Therefore, it has been classified as a Variant of Uncertain Significance.

Revvity Omics, Revvity
Classification: Uncertain significance. Last evaluated: 2019-11-11. Review status: criteria provided, single submitter. Criteria: ACMG Guidelines, 2015. Collection method: clinical testing. Allele origin: germline.

GeneDx
Classification: Uncertain significance. Last evaluated: 2017-08-16. Review status: criteria provided, single submitter. Criteria: GeneDx Variant Classification (06012015). Collection method: clinical testing. Allele origin: germline. Affected: yes.
Comment: The R2572W variant in the PLEC gene has not been reported previously as a pathogenic variant, nor as a benign variant, to our knowledge. The R2572W variant is not observed at a significant frequency in large population cohorts (Lek et al., 2016; 1000 Genomes Consortium et al., 2015; Exome Variant Server). The R2572W variant is a non-conservative amino acid substitution, which is likely to impact secondary protein structure as these residues differ in polarity, charge, size and/or other properties. This substitution occurs at a position where amino acids with similar properties to Arginine are tolerated across species. In silico analysis is inconsistent in its predictions as to whether or not the variant is damaging to the protein structure/function. We interpret R2572W as a variant of uncertain significance.